The following is an entry in ClinVar:

NM_172351.3(CD46):c.1083-10C>T

Gene: CD46 (CD46 molecule; plus strand). Cytogenetic location: 1q32.2.
Variant type: single nucleotide variant.
Coding change: c.1083-10C>T on transcript NM_172351.3 (MANE Select); 10 bases into the intron before coding-DNA position 1083, C replaced by T.
Molecular consequence: intron variant.
Genome position (GRCh38, 1-based): chr1:207,790,243, C>T. VCF-style: chr1-207790243-C-T. GRCh37 (hg19) VCF-style: chr1-207963588-C-T.
Other names: p.?; c.1128-10C>T (LRG_155t1, NM_002389.4); c.1128-3276C>T (NM_172359.3); c.1083-3276C>T (NM_153826.4); c.1046-3276C>T (NM_172358.3); c.1041-10C>T (NM_172355.3); c.1041-3276C>T (NM_172356.3); c.1038-10C>T (NM_172352.3); and 4 more.
Identifiers: ClinVar variation 294976 (VCV000294976.21), dbSNP rs41317997, ClinGen allele CA1371897.
Genomic context (GRCh38, chr1:207,790,243, plus strand): 5'-GTTATGCTACTCGTTTCTTTTTGGTTTGAAGTCACTATTTTATTCAGCCGTTTTCTCTTC[C>T]TCTGTTCAGCACATACCTAACTGATGAGACCCACAGAGAAGTAAAATTTACTTCTCTCTG-3'

ClinVar aggregate classification (germline): Benign. Review status: criteria provided, multiple submitters, no conflicts (2 of 4 stars). 7 submissions from 7 submitters: Benign (7). Last evaluated 2026-01-31.

Conditions:
Atypical hemolytic-uremic syndrome. Identifiers: Orphanet 2134, MedGen C2931788, MONDO:0016244.
Atypical hemolytic-uremic syndrome with MCP/CD46 anomaly. Also called: HEMOLYTIC UREMIC SYNDROME, ATYPICAL, SUSCEPTIBILITY TO, 2; AHUS, SUSCEPTIBILITY TO, 2. Identifiers: Orphanet 2134, MedGen C2752040, MONDO:0013040, OMIM 612922.

Allele frequency attached by ClinVar (database versions not stated): gnomAD exomes 0.00204 and 0.00554; ExAC 0.00645; gnomAD 0.02074 and 0.02234; 1000 Genomes Project 0.02137; 1000 Genomes Project 30x 0.02217; TOPMed 0.02356; ESP Exome Variant Server 0.02476.
gnomAD v4.1: 5,932 of 1,458,976 alleles (0.41%); highest among the groups gnomAD compares: African/African-American, 7.1%; 200 homozygotes.

Submissions (7):

Labcorp Genetics (formerly Invitae), Labcorp
Classification: Benign. Last evaluated: 2026-01-31. Review status: criteria provided, single submitter. Criteria: Invitae Variant Classification Sherloc (09022015). Collection method: clinical testing. Allele origin: germline.

Women's Health and Genetics/Laboratory Corporation of America, LabCorp
Classification: Benign. Last evaluated: 2026-01-22. Review status: criteria provided, single submitter. Criteria: LabCorp Variant Classification Summary - May 2015. Collection method: clinical testing. Allele origin: germline.

Genomenon, Inc
Classification: Benign for Atypical hemolytic-uremic syndrome. Last evaluated: 2025-10-02. Review status: criteria provided, single submitter. Criteria: Genomenon Sequence Variant Interpretation Standards. Collection method: curation. Allele origin: germline. Affected: no.
Comment: CD46 c.1128-10C>T is an intronic variant in intron 12. This variant has been reported in the published literature (PMID:21840606). This variant is present at high allele frequency in population databases. In conclusion, we classify CD46 c.1128-10C>T as a benign variant.

Genome Diagnostics Laboratory, The Hospital for Sick Children
Classification: Benign for Atypical hemolytic-uremic syndrome. Last evaluated: 2022-08-10. Review status: criteria provided, single submitter. Criteria: ACMG Guidelines, 2015. Collection method: clinical testing. Allele origin: germline.

Mayo Clinic Laboratories, Mayo Clinic
Classification: Benign. Last evaluated: 2022-03-10. Review status: criteria provided, single submitter. Criteria: ACMG Guidelines, 2015. Collection method: clinical testing. Allele origin: germline. Observed: 97 variant alleles.

Illumina Laboratory Services, Illumina
Classification: Benign for Atypical hemolytic-uremic syndrome with MCP/CD46 anomaly. Last evaluated: 2018-01-12. Review status: criteria provided, single submitter. Criteria: ICSL Variant Classification Criteria 13 December 2019. Collection method: clinical testing. Allele origin: germline.
Comment: This variant was observed in the ICSL laboratory as part of a predisposition screen in an ostensibly healthy population. It had not been previously curated by ICSL or reported in the Human Gene Mutation Database (HGMD: prior to June 1st, 2018), and was therefore a candidate for classification through an automated scoring system. Utilizing variant allele frequency, disease prevalence and penetrance estimates, and inheritance mode, an automated score was calculated to assess if this variant is too frequent to cause the disease. Based on the score and internal cut-off values, a variant classified as benign is not then subjected to further curation. The score for this variant resulted in a classification of benign for this disease.

Breakthrough Genomics
Classification: Benign. Review status: criteria provided, single submitter. Criteria: ACMG Guidelines, 2015. Collection method: not provided. Allele origin: germline. Inheritance: Autosomal recessive inheritance. Affected: yes.

Literature cited by the submitters: PubMed 21840606 (cited by Genomenon, Inc).